The following is an entry in ClinVar:

NM_001458.5(FLNC):c.5417C>T (p.Ser1806Leu)

Genes: FLNC (filamin C; plus strand), FLNC-AS1 (FLNC antisense RNA 1; minus strand). Cytogenetic location: 7q32.1.
Variant type: single nucleotide variant.
Coding change: c.5417C>T on transcript NM_001458.5 (MANE Select); coding-DNA position 5417, C replaced by T.
Protein change: p.Ser1806Leu; replaces serine 1806 with leucine.
Molecular consequence: missense variant.
Genome position (GRCh38, 1-based): chr7:128,850,821, C>T. VCF-style: chr7-128850821-C-T. GRCh37 (hg19) VCF-style: chr7-128490875-C-T.
Other names: c.5417C>T (NM_001458.4); c.5318C>T, p.Ser1773Leu (NM_001127487.2); short protein forms S1806L, S1773L.
Identifiers: ClinVar variation 1358749 (VCV001358749.9), dbSNP rs1224086145, ClinGen allele CA369206622.
Genomic context (GRCh38, chr7:128,850,821, plus strand): 5'-GGGGGAAACCAGGGTCTCCACGTAACTGTGTCTGCCCTGCAGGAGAGGTGCGGATGCCCT[C>T]GGGGAAGACGGCACGGCCCAACATCACCGACAACAAGGACGGCACCATCACGGTGAGGTA-3'
Protein context (NP_001449.3, residues 1796-1816): GELTGEVRMP[Ser1806Leu]GKTARPNITD

ClinVar aggregate classification (germline): Uncertain significance. Review status: criteria provided, multiple submitters, no conflicts (2 of 4 stars). 3 submissions from 3 submitters: Uncertain significance (3). Last evaluated 2025-05-11.

Conditions:
Distal myopathy with posterior leg and anterior hand involvement. Also called: WILLIAMS DISTAL MYOPATHY. Identifiers: Orphanet 63273, MedGen C3279722, MONDO:0013550, OMIM 614065.
Myofibrillar myopathy 5. Also called: Filaminopathy (type); FILAMINOPATHY, AUTOSOMAL DOMINANT. Identifiers: Orphanet 171445, MedGen C1836050, MONDO:0012289, OMIM 609524.
Hypertrophic cardiomyopathy 26. Also called: Cardiomyopathy, familial hypertrophic, 26. Identifiers: Orphanet 75249, MedGen C4310749, MONDO:0014883, OMIM 617047.
Cardiovascular phenotype. Identifiers: MedGen CN230736.

Allele frequency attached by ClinVar (database versions not stated): gnomAD exomes below 0.00001; TOPMed below 0.00001; gnomAD 0.00001.

Submissions (3):

Labcorp Genetics (formerly Invitae), Labcorp
Classification: Uncertain significance for Distal myopathy with posterior leg and anterior hand involvement; Myofibrillar myopathy 5; Hypertrophic cardiomyopathy 26. Last evaluated: 2025-05-11. Review status: criteria provided, single submitter. Criteria: Invitae Variant Classification Sherloc (09022015). Collection method: clinical testing. Allele origin: germline.
Comment: This sequence change replaces serine, which is neutral and polar, with leucine, which is neutral and non-polar, at codon 1806 of the FLNC protein (p.Ser1806Leu). This variant is present in population databases (no rsID available, gnomAD 0.007%). This missense change has been observed in individual(s) with dilated cardiomyopathy (PMID: 37461109). ClinVar contains an entry for this variant (Variation ID: 1358749). Invitae Evidence Modeling of protein sequence and biophysical properties (such as structural, functional, and spatial information, amino acid conservation, physicochemical variation, residue mobility, and thermodynamic stability) has been performed for this missense variant. However, the output from this modeling did not meet the statistical confidence thresholds required to predict the impact of this variant on FLNC protein function. In summary, the available evidence is currently insufficient to determine the role of this variant in disease. Therefore, it has been classified as a Variant of Uncertain Significance.

Women's Health and Genetics/Laboratory Corporation of America, LabCorp
Classification: Uncertain significance. Last evaluated: 2025-01-24. Review status: criteria provided, single submitter. Criteria: LabCorp Variant Classification Summary - May 2015. Collection method: clinical testing. Allele origin: germline.
Comment: Variant summary: FLNC c.5417C>T (p.Ser1806Leu) results in a non-conservative amino acid change located in the Filamin-type immunoglobulin domain (IPR001298) of the encoded protein sequence. Five of five in-silico tools predict a damaging effect of the variant on protein function. The variant was absent in 249322 control chromosomes. The available data on variant occurrences in the general population are insufficient to allow any conclusion about variant significance. c.5417C>T has been reported in the literature in individuals affected with Dilated Cardiomyopathy (Lian_2023). These report(s) do not provide unequivocal conclusions about association of the variant with Dilated Cardiomyopathy. To our knowledge, no experimental evidence demonstrating an impact on protein function has been reported. The following publication has been ascertained in the context of this evaluation (PMID: 37461109). ClinVar contains an entry for this variant (Variation ID: 1358749). Based on the evidence outlined above, the variant was classified as uncertain significance.

Ambry Genetics
Classification: Uncertain significance for Cardiovascular phenotype. Last evaluated: 2024-07-31. Review status: criteria provided, single submitter. Criteria: Ambry Variant Classification Scheme 2023. Collection method: clinical testing. Allele origin: germline.
Comment: The p.S1806L variant (also known as c.5417C>T), located in coding exon 33 of the FLNC gene, results from a C to T substitution at nucleotide position 5417. The serine at codon 1806 is replaced by leucine, an amino acid with dissimilar properties. This variant has been reported in a dilated cardiomyopathy cohort, but clinical details were limited (Lian H et al. J Transl Med, 2023 Jul;21:476). This amino acid position is highly conserved in available vertebrate species. In addition, this alteration is predicted to be deleterious by in silico analysis. Based on the available evidence, the clinical significance of this variant remains unclear.

Literature cited by the submitters: PubMed 37461109 (cited by 3 submitters).